The following is an entry in ClinVar:

NM_020812.4(DOCK6):c.3054G>A (p.Arg1018=)

Gene: DOCK6 (dedicator of cytokinesis 6; minus strand). Cytogenetic location: 19p13.2.
Variant type: single nucleotide variant.
Coding change: c.3054G>A on transcript NM_020812.4 (MANE Select); coding-DNA position 3054, G replaced by A.
Protein change: p.Arg1018=; no amino-acid change (arginine 1018 retained).
Molecular consequence: synonymous variant.
Genome position (GRCh38, 1-based): chr19:11,223,008, C>T on the plus strand (G>A on the coding strand, the complement: DOCK6 is on the minus strand). VCF-style: chr19-11223008-C-T. GRCh37 (hg19) VCF-style: chr19-11333684-C-T.
Other names: c.3159G>A, p.Arg1053= (NM_001367830.1).
Identifiers: ClinVar variation 715788 (VCV000715788.33), dbSNP rs369415057, ClinGen allele CA9207385.

ClinVar aggregate classification (germline): Likely benign. Review status: criteria provided, multiple submitters, no conflicts (2 of 4 stars). 4 submissions from 4 submitters: Likely benign (3). 1 of the submissions does not count toward it. Last evaluated 2024-11-21.

Conditions:
DOCK6-related disorder. Also called: DOCK6-related condition.

Allele frequency attached by ClinVar (database versions not stated): gnomAD exomes 0.00020 and 0.00024; ExAC 0.00040; gnomAD 0.00010 and 0.00011; TOPMed 0.00012; ESP Exome Variant Server 0.00016.

Submissions (4):

Blueprint Genetics
Classification: Likely benign. Last evaluated: 2024-11-21. Review status: criteria provided, single submitter. Criteria: ACMG Guidelines, 2015. Collection method: clinical testing. Allele origin: germline.

Labcorp Genetics (formerly Invitae), Labcorp
Classification: Likely benign. Last evaluated: 2024-10-21. Review status: criteria provided, single submitter. Criteria: Invitae Variant Classification Sherloc (09022015). Collection method: clinical testing. Allele origin: germline.

CeGaT Center for Human Genetics Tuebingen
Classification: Likely benign. Last evaluated: 2022-06-01. Review status: criteria provided, single submitter. Criteria: CeGaT Center For Human Genetics Tuebingen Variant Classification Criteria Version 2. Collection method: clinical testing. Allele origin: germline. Affected: yes. Observed: 1 variant allele.
Comment: DOCK6: BP4, BP7

PreventionGenetics, part of Exact Sciences
Classification: Likely benign for DOCK6-related condition. Last evaluated: 2019-11-21. Review status: no assertion criteria provided. Collection method: clinical testing. Allele origin: germline. Not counted in ClinVar's aggregate classification.
Comment: This variant is classified as likely benign based on ACMG/AMP sequence variant interpretation guidelines (Richards et al. 2015 PMID: 25741868, with internal and published modifications).